The following is an entry in ClinVar:

ClinVar aggregate classification (germline): Uncertain significance (1 of 4 stars; one submission).

gnomAD v4.1: 1 of 1,613,894 alleles (0.000062%); highest among the groups gnomAD compares: East Asian, 0.0022%; no homozygotes.

Submission:

Labcorp Genetics (formerly Invitae), Labcorp
Classification: Uncertain significance. Last evaluated: 2021-12-03. Review status: criteria provided, single submitter. Criteria: Invitae Variant Classification Sherloc (09022015). Collection method: clinical testing. Allele origin: germline.
Comment: In summary, the available evidence is currently insufficient to determine the role of this variant in disease. Therefore, it has been classified as a Variant of Uncertain Significance. Algorithms developed to predict the effect of missense changes on protein structure and function (SIFT, PolyPhen-2, Align-GVGD) all suggest that this variant is likely to be tolerated. This variant has not been reported in the literature in individuals affected with LZTR1-related conditions. This variant is not present in population databases (gnomAD no frequency). This sequence change replaces isoleucine, which is neutral and non-polar, with leucine, which is neutral and non-polar, at codon 820 of the LZTR1 protein (p.Ile820Leu).

NM_006767.4(LZTR1):c.2458A>C (p.Ile820Leu)

Gene: LZTR1 (leucine zipper like post translational regulator 1; plus strand). Cytogenetic location: 22q11.21.
Variant type: single nucleotide variant.
Coding change: c.2458A>C on transcript NM_006767.4 (MANE Select); coding-DNA position 2458, A replaced by C.
Protein change: p.Ile820Leu; replaces isoleucine 820 with leucine.
Molecular consequence: missense variant.
Genome position (GRCh38, 1-based): chr22:20,997,283, A>C. VCF-style: chr22-20997283-A-C. GRCh37 (hg19) VCF-style: chr22-21351572-A-C.
Other names: short protein forms I820L.
Identifiers: ClinVar variation 1382541 (VCV001382541.6), dbSNP rs1924898949, ClinGen allele CA410781697.